The following is an entry in ClinVar:

ClinVar aggregate classification (germline): Likely benign. Review status: criteria provided, single submitter (1 of 4 stars). 2 submissions from 2 submitters: Likely benign (1). 1 of the submissions does not count toward it. Last evaluated 2025-09-15.

Conditions:
COASY-related disorder. Also called: COASY-related condition.
Neurodegeneration with brain iron accumulation 6 (NBIA6). Also called: COASY protein-associated neurodegeneration. Identifiers: Orphanet 397725, MedGen C4517377, MONDO:0014290, OMIM 615643.

Allele frequency attached by ClinVar (database versions not stated): ExAC 0.00001; TOPMed 0.00002; gnomAD 0.00003; ESP Exome Variant Server 0.00008.

Submissions (2):

Labcorp Genetics (formerly Invitae), Labcorp
Classification: Likely benign for Neurodegeneration with brain iron accumulation 6. Last evaluated: 2025-09-15. Review status: criteria provided, single submitter. Criteria: Invitae Variant Classification Sherloc (09022015). Collection method: clinical testing. Allele origin: germline.

PreventionGenetics, part of Exact Sciences
Classification: Likely benign for COASY-related condition. Last evaluated: 2019-07-10. Review status: no assertion criteria provided. Collection method: clinical testing. Allele origin: germline. Not counted in ClinVar's aggregate classification.
Comment: This variant is classified as likely benign based on ACMG/AMP sequence variant interpretation guidelines (Richards et al. 2015 PMID: 25741868, with internal and published modifications).

NM_025233.7(COASY):c.1303-8C>T

Gene: COASY (Coenzyme A synthase; plus strand). Cytogenetic location: 17q21.2.
Variant type: single nucleotide variant.
Coding change: c.1303-8C>T on transcript NM_025233.7 (MANE Select); 8 bases into the intron before coding-DNA position 1303, C replaced by T.
Molecular consequence: intron variant.
Genome position (GRCh38, 1-based): chr17:42,565,219, C>T. VCF-style: chr17-42565219-C-T. GRCh37 (hg19) VCF-style: chr17-40717237-C-T.
Other names: c.1303-8C>T (NM_025233.6, NM_001042529.3); c.1390-8C>T (NM_001042532.4).
Identifiers: ClinVar variation 2150856 (VCV002150856.6), dbSNP rs373894044, ClinGen allele CA8578276.